The following is an entry in ClinVar:

NM_000170.3(GLDC):c.2080G>C (p.Ala694Pro)

Gene: GLDC (glycine decarboxylase; minus strand). Cytogenetic location: 9p24.1.
Variant type: single nucleotide variant.
Coding change: c.2080G>C on transcript NM_000170.3 (MANE Select); coding-DNA position 2080, G replaced by C.
Protein change: p.Ala694Pro; replaces alanine 694 with proline.
Molecular consequence: missense variant.
Genome position (GRCh38, 1-based): chr9:6,556,275, C>G on the plus strand (G>C on the coding strand, the complement: GLDC is on the minus strand). VCF-style: chr9-6556275-C-G. GRCh37 (hg19) VCF-style: chr9-6556275-C-G.
Other names: short protein forms A694P.
Identifiers: ClinVar variation 56057 (VCV000056057.2), dbSNP rs386833538, ClinGen allele CA263328.
Genomic context (GRCh38, chr9:6,556,275, plus strand): 5'-ACACGTCACTGATGTTCTCTTCAAACACCCCATTGGTGGATGGGTATGTAATCATGATAG[C>G]TGCTAGGTTCTCCTTGTGCTTATCCACCTGTGAAAGAAAAGGGGTAGAGAAGGACATGGA-3'
Protein context (NP_000161.2, residues 684-704): MVDKHKENLA[Ala694Pro]IMITYPSTNG

ClinVar aggregate classification (germline): Likely pathogenic (0 of 4 stars; one submission).

Conditions:
Glycine encephalopathy. Also called: Nonketotic hyperglycinemia; Non-ketotic hyperglycinemia. Identifiers: Orphanet 407, MedGen C0751748, MONDO:0011612, HP:0008288.

Submission:

Juha Muilu Group; Institute for Molecular Medicine Finland (FIMM)
Classification: Likely pathogenic for Non-ketotic hyperglycinemia. Review status: no assertion criteria provided. Collection method: not provided. Allele origin: unknown.
Comment: FinDis database variant: This variant was not found or characterized by our laboratory, data were collected from public sources: see reference
ClinVar note: Converted during submission from probable-pathogenic to Likely pathogenic.